The following is an entry in ClinVar:

NM_005422.4(TECTA):c.1420C>T (p.Arg474Cys)

Genes: TECTA (tectorin alpha; plus strand), TBCEL-TECTA (TBCEL-TECTA readthrough; plus strand). Cytogenetic location: 11q23.3.
Variant type: single nucleotide variant.
Coding change: c.1420C>T on transcript NM_005422.4 (MANE Select); coding-DNA position 1420, C replaced by T.
Protein change: p.Arg474Cys; replaces arginine 474 with cysteine.
Molecular consequence: missense variant.
Genome position (GRCh38, 1-based): chr11:121,125,518, C>T. VCF-style: chr11-121125518-C-T. GRCh37 (hg19) VCF-style: chr11-120996227-C-T.
Other names: c.2377C>T, p.Arg793Cys (NM_001378761.1); short protein forms R474C, R793C.
Identifiers: ClinVar variation 302999 (VCV000302999.6), dbSNP rs756326790, ClinGen allele CA6326741.

ClinVar aggregate classification (germline): Uncertain significance. Review status: criteria provided, multiple submitters, no conflicts (2 of 4 stars). 3 submissions from 2 submitters: Uncertain significance (3). Last evaluated 2024-01-02.

Conditions:
Autosomal recessive nonsyndromic hearing loss 21. Identifiers: Orphanet 90636, MedGen C1863655, MONDO:0011351, OMIM 603629.
Autosomal dominant nonsyndromic hearing loss 12. Also called: DEAFNESS, AUTOSOMAL DOMINANT 8. Identifiers: Orphanet 90635, MedGen C1832187, MONDO:0011102, OMIM 601543.

Allele frequency attached by ClinVar (database versions not stated): gnomAD exomes 0.00002; ExAC 0.00003; gnomAD 0.00003; TOPMed 0.00003.
gnomAD v4.1: 34 of 1,614,064 alleles (0.0021%); highest among the groups gnomAD compares: Middle Eastern, 0.016%; no homozygotes.

Submissions (3):

GeneDx
Classification: Uncertain significance. Last evaluated: 2024-01-02. Review status: criteria provided, single submitter. Criteria: GeneDx Variant Classification Process June 2021. Collection method: clinical testing. Allele origin: germline. Affected: yes.
Comment: In silico analysis supports that this missense variant does not alter protein structure/function; Has not been previously published as pathogenic or benign to our knowledge; This variant is associated with the following publications: (PMID: 21520338, 31554319, 9590290)

Illumina Laboratory Services, Illumina
Classification: Uncertain significance for Autosomal dominant nonsyndromic hearing loss 12. Last evaluated: 2018-01-12. Review status: criteria provided, single submitter. Criteria: ICSL Variant Classification Criteria 13 December 2019. Collection method: clinical testing. Allele origin: germline.

Illumina Laboratory Services, Illumina
Classification: Uncertain significance for Autosomal recessive nonsyndromic hearing loss 21. Last evaluated: 2018-01-12. Review status: criteria provided, single submitter. Criteria: ICSL Variant Classification Criteria 13 December 2019. Collection method: clinical testing. Allele origin: germline.